The following is an entry in ClinVar:

ClinVar aggregate classification (germline): Uncertain significance (1 of 4 stars; one submission).

Conditions:
Symmetrical dyschromatosis of extremities (DSH). Also called: RETICULATE ACROPIGMENTATION OF DOHI; SYMMETRIC DYSCHROMATOSIS OF THE EXTREMITIES; DYSCHROMATOSIS SYMMETRICA HEREDITARIA 1; Dyschromatosis symmetrica hereditaria. Identifiers: Orphanet 41, MedGen C0406775, MONDO:0007483, OMIM 127400.
Aicardi-Goutieres syndrome 6 (AGS6). Identifiers: Orphanet 51, MedGen C3539013, MONDO:0014007, OMIM 615010.

Allele frequency attached by ClinVar (database versions not stated): TOPMed below 0.00001; gnomAD 0.00001.
gnomAD v4.1: 5 of 1,613,994 alleles (0.00031%); highest among the groups gnomAD compares: Non-Finnish European, 0.00042%; no homozygotes.

Submission:

Labcorp Genetics (formerly Invitae), Labcorp
Classification: Uncertain significance for Aicardi-Goutieres syndrome 6; Symmetrical dyschromatosis of extremities. Last evaluated: 2024-02-17. Review status: criteria provided, single submitter. Criteria: Invitae Variant Classification Sherloc (09022015). Collection method: clinical testing. Allele origin: germline.
Comment: This sequence change replaces methionine, which is neutral and non-polar, with threonine, which is neutral and polar, at codon 677 of the ADAR protein (p.Met677Thr). This variant is present in population databases (no rsID available, gnomAD 0.0009%). This variant has not been reported in the literature in individuals affected with ADAR-related conditions. Advanced modeling of protein sequence and biophysical properties (such as structural, functional, and spatial information, amino acid conservation, physicochemical variation, residue mobility, and thermodynamic stability) performed at Invitae indicates that this missense variant is not expected to disrupt ADAR protein function with a negative predictive value of 80%. In summary, the available evidence is currently insufficient to determine the role of this variant in disease. Therefore, it has been classified as a Variant of Uncertain Significance.

NM_001111.5(ADAR):c.2030T>C (p.Met677Thr)

Gene: ADAR (adenosine deaminase RNA specific; minus strand). Cytogenetic location: 1q21.3.
Variant type: single nucleotide variant.
Coding change: c.2030T>C on transcript NM_001111.5 (MANE Select); coding-DNA position 2030, T replaced by C.
Protein change: p.Met677Thr; replaces methionine 677 with threonine.
Molecular consequence: missense variant.
Genome position (GRCh38, 1-based): chr1:154,597,172, A>G on the plus strand (T>C on the coding strand, the complement: ADAR is on the minus strand). VCF-style: chr1-154597172-A-G. GRCh37 (hg19) VCF-style: chr1-154569648-A-G.
Other names: c.2030T>C, p.Met677Thr (NM_015841.4, NM_015840.4); c.1145T>C, p.Met382Thr (NM_001025107.3, NM_001193495.2, NM_001365046.1 and 3 more transcripts); c.2057T>C, p.Met686Thr (NM_001365045.1); short protein forms M382T, M677T, M686T.
Identifiers: ClinVar variation 2925097 (VCV002925097.3), dbSNP rs1453488962, ClinGen allele CA342638183.